The following is an entry in ClinVar:

NM_002488.5(NDUFA2):c.190A>G (p.Lys64Glu)

Genes: NDUFA2 (NADH:ubiquinone oxidoreductase subunit A2; minus strand), TMCO6 (transmembrane and coiled-coil domains 6; plus strand). Cytogenetic location: 5q31.3.
Variant type: single nucleotide variant.
Coding change: c.190A>G on transcript NM_002488.5 (MANE Select); coding-DNA position 190, A replaced by G.
Protein change: p.Lys64Glu; replaces lysine 64 with glutamic acid.
Molecular consequence: missense variant. On other transcripts: non-coding transcript variant (1).
Genome position (GRCh38, 1-based): chr5:140,647,274, T>C on the plus strand (A>G on the coding strand, the complement: NDUFA2 is on the minus strand). VCF-style: chr5-140647274-T-C. GRCh37 (hg19) VCF-style: chr5-140026859-T-C.
Other names: c.190A>G, p.Lys64Glu (NM_001185012.2); short protein forms K64E.
Identifiers: ClinVar variation 2087152 (VCV002087152.4), dbSNP rs761778714, ClinGen allele CA3442498.

ClinVar aggregate classification (germline): Uncertain significance (1 of 4 stars; one submission).

Allele frequency attached by ClinVar (database versions not stated): ExAC 0.00001.
gnomAD v4.1: 2 of 1,558,646 alleles (0.00013%); highest among the groups gnomAD compares: Admixed American, 0.0037%; no homozygotes.

Submission:

Labcorp Genetics (formerly Invitae), Labcorp
Classification: Uncertain significance. Last evaluated: 2022-08-12. Review status: criteria provided, single submitter. Criteria: Invitae Variant Classification Sherloc (09022015). Collection method: clinical testing. Allele origin: germline.
Comment: In summary, the available evidence is currently insufficient to determine the role of this variant in disease. Therefore, it has been classified as a Variant of Uncertain Significance. Algorithms developed to predict the effect of missense changes on protein structure and function are either unavailable or do not agree on the potential impact of this missense change (SIFT: "Deleterious"; PolyPhen-2: "Possibly Damaging"; Align-GVGD: "Class C15"). This variant has not been reported in the literature in individuals affected with NDUFA2-related conditions. This variant is present in population databases (rs761778714, gnomAD 0.007%). This sequence change replaces lysine, which is basic and polar, with glutamic acid, which is acidic and polar, at codon 64 of the NDUFA2 protein (p.Lys64Glu).